The following is an entry in ClinVar:

NM_177438.3(DICER1):c.5465A>G (p.Asp1822Gly)

Gene: DICER1 (dicer 1, ribonuclease III; minus strand). Cytogenetic location: 14q32.13.
Variant type: single nucleotide variant.
Coding change: c.5465A>G on transcript NM_177438.3 (MANE Select); coding-DNA position 5465, A replaced by G.
Protein change: p.Asp1822Gly; replaces aspartic acid 1822 with glycine.
Molecular consequence: missense variant. On other transcripts: intron variant (1).
Genome position (GRCh38, 1-based): chr14:95,091,265, T>C on the plus strand (A>G on the coding strand, the complement: DICER1 is on the minus strand). VCF-style: chr14-95091265-T-C. GRCh37 (hg19) VCF-style: chr14-95557602-T-C.
Other names: NM_177438.3(DICER1):c.5465A>G; p.Asp1822Gly; c.5465A>G, p.Asp1822Gly (NM_001271282.3, NM_001291628.2, NM_030621.4); c.5365-156A>G (NM_001195573.1); short protein forms D1822G.
Identifiers: ClinVar variation 429125 (VCV000429125.11), dbSNP rs886037729, ClinGen allele CA390864594.

ClinVar aggregate classification (germline): Likely pathogenic. Review status: reviewed by expert panel (3 of 4 stars). 3 submissions from 3 submitters: Likely pathogenic (1). 2 of the submissions do not count toward it. Last evaluated 2026-11-03.

Conditions:
DICER1-related tumor predisposition. Also called: DICER1 syndrome; DICER1-related pleuropulmonary blastoma cancer predisposition syndrome. Identifiers: Orphanet 284343, MedGen C3839822, MONDO:0100216.
Hereditary cancer-predisposing syndrome. Also called: Neoplastic Syndromes, Hereditary; Hereditary Cancer Syndrome; Tumor predisposition; Hereditary neoplastic syndrome. Identifiers: Orphanet 140162, MedGen C0027672, MeSH D009386, MONDO:0015356.

Submissions (3):

ClinGen DICER1 and miRNA-Processing Gene Variant Curation Expert Panel, ClinGen
Classification: Likely pathogenic for DICER1-related tumor predisposition. Last evaluated: 2026-11-03. Review status: reviewed by expert panel. Criteria: ClinGen DICER1 and miRNA-Processing Gene Expert Panel Specifications to the ACMG/AMP Variant Interpretation Guidelines for DICER1 Version 1.4. Collection method: curation. Allele origin: germline. Inheritance: Autosomal dominant inheritance.
Comment: The NM_177438.3:c.5465A>G variant in DICER1 is a missense variant predicted to cause substitution of aspartic acid by glycine at amino acid 1822 (p.Asp1822Gly). This variant received a total of 2 phenotype points across 2 unrelated probands meeting DICER1 VCEP phenotype specificity scoring criteria of 2-3.5 points (PS4_Moderate; Internal lab contributor). The variant has been reported to segregate with Sertoli Leydig cell tumors, PPB, and lung cysts in 4 meioses from 2 families (PP1; Internal lab contributor). This variant is absent from gnomAD v4.1.1 (PM2_Supporting). In silico tools predict damaging impact of the variant on protein function (REVEL: 0.956) (PP3). This variant resides within the RNase IIIb mutational hotspot domain with critical functionality as defined by the ClinGen DICER1 VCEP (PM1_Supporting; PMID: 31342592). In summary, this variant meets the criteria to be classified as Likely Pathogenic for DICER1-related tumor predisposition based on the ACMG/AMP criteria applied, as specified by the ClinGen DICER1 VCEP: PS4_Moderate, PP1, PM2_Supporting, PP3, PM1_Supporting (VCEP specifications version 1.4.0). Based on Tavtigian et al 2020 (PMID:32720330) and total points = 6, equating to a classification of Likely Pathogenic.

Labcorp Genetics (formerly Invitae), Labcorp
Classification: Pathogenic for DICER1-related tumor predisposition. Last evaluated: 2024-10-19. Review status: criteria provided, single submitter. Criteria: Invitae Variant Classification Sherloc (09022015). Collection method: clinical testing. Allele origin: germline. Not counted in ClinVar's aggregate classification.
Comment: This sequence change replaces aspartic acid, which is acidic and polar, with glycine, which is neutral and non-polar, at codon 1822 of the DICER1 protein (p.Asp1822Gly). This variant is not present in population databases (gnomAD no frequency). This missense change has been observed in individual(s) with clinical features of DICER1-related conditions (external communication). It has also been observed to segregate with disease in related individuals. ClinVar contains an entry for this variant (Variation ID: 429125). Invitae Evidence Modeling of protein sequence and biophysical properties (such as structural, functional, and spatial information, amino acid conservation, physicochemical variation, residue mobility, and thermodynamic stability) has been performed for this missense variant. However, the output from this modeling did not meet the statistical confidence thresholds required to predict the impact of this variant on DICER1 protein function. Algorithms developed to predict the effect of sequence changes on RNA splicing suggest that this variant may disrupt the consensus splice site. This variant disrupts the p.Asp1822 amino acid residue in DICER1. Other variant(s) that disrupt this residue have been determined to be pathogenic (PMID: 21266384, 26925222). This suggests that this residue is clinically significant, and that variants that disrupt this residue are likely to be disease-causing. For these reasons, this variant has been classified as Pathogenic.

Ambry Genetics
Classification: Likely pathogenic for Hereditary cancer-predisposing syndrome. Last evaluated: 2023-07-19. Review status: criteria provided, single submitter. Criteria: Ambry Variant Classification Scheme 2023. Collection method: clinical testing. Allele origin: germline. Not counted in ClinVar's aggregate classification.
Comment: The p.D1822G variant (also known as c.5465A>G), located in coding exon 24 of the DICER1 gene, results from an A to G substitution at nucleotide position 5465. The aspartic acid at codon 1822 is replaced by glycine, an amino acid with similar properties. This alteration has been observed in individuals with a personal and family history that is consistent with DICER1-related disease (Ambry internal data). This alteration has also been observed to co-segregate with DICER1-related disease with several families (Ambry internal data). This variant resides within the RNase IIIb domain of DICER1, a mutational hotspot domain with critical function (de Kock L et al. Hum Mutat, 2019 Nov;40:1939-1953). This variant is considered to be rare based on population cohorts in the Genome Aggregation Database (gnomAD). This amino acid position is highly conserved in available vertebrate species. In addition, this alteration is predicted to be deleterious by in silico analysis. Based on the majority of available evidence to date, this variant is likely to be pathogenic.

Literature cited by the submitters: PubMed 21266384 (cited by Labcorp Genetics (formerly Invitae), Labcorp); PubMed 26925222 (cited by Labcorp Genetics (formerly Invitae), Labcorp); PubMed 31342592 (cited by Ambry Genetics).